The following is an entry in ClinVar:

ClinVar aggregate classification (germline): Uncertain significance. Review status: criteria provided, multiple submitters, no conflicts (2 of 4 stars). 2 submissions from 2 submitters: Uncertain significance (2). Last evaluated 2024-10-07.

Conditions:
Cardiovascular phenotype. Identifiers: MedGen CN230736.

Allele frequency attached by ClinVar (database versions not stated): ExAC 0.00002; gnomAD 0.00005; TOPMed 0.00005; gnomAD exomes 0.00008.
gnomAD v4.1: 123 of 1,608,074 alleles (0.0076%); highest among the groups gnomAD compares: Non-Finnish European, 0.01%; no homozygotes.

Submissions (2):

Ambry Genetics
Classification: Uncertain significance for Cardiovascular phenotype. Last evaluated: 2024-10-07. Review status: criteria provided, single submitter. Criteria: Ambry Variant Classification Scheme 2023. Collection method: clinical testing. Allele origin: germline.
Comment: The p.S1555F variant (also known as c.4664C>T), located in coding exon 11 of the TNXB gene, results from a C to T substitution at nucleotide position 4664. The serine at codon 1555 is replaced by phenylalanine, an amino acid with highly dissimilar properties. This amino acid position is conserved. In addition, the in silico prediction for this alteration is inconclusive. Since supporting evidence is limited at this time, the clinical significance of this alteration remains unclear.

GeneDx
Classification: Uncertain significance. Last evaluated: 2024-03-05. Review status: criteria provided, single submitter. Criteria: GeneDx Variant Classification Process June 2021. Collection method: clinical testing. Allele origin: germline. Affected: yes.
Comment: Has not been previously published as pathogenic or benign to our knowledge; Not observed at significant frequency in large population cohorts (gnomAD); In silico analysis supports that this missense variant has a deleterious effect on protein structure/function

NM_001365276.2(TNXB):c.4664C>T (p.Ser1555Phe)

Gene: TNXB (tenascin XB; minus strand). Cytogenetic location: 6p21.33.
Variant type: single nucleotide variant.
Coding change: c.4664C>T on transcript NM_001365276.2 (MANE Select); coding-DNA position 4664, C replaced by T.
Protein change: p.Ser1555Phe; replaces serine 1555 with phenylalanine.
Molecular consequence: missense variant.
Genome position (GRCh38, 1-based): chr6:32,073,664, G>A on the plus strand (C>T on the coding strand, the complement: TNXB is on the minus strand). VCF-style: chr6-32073664-G-A. GRCh37 (hg19) VCF-style: chr6-32041441-G-A.
Other names: c.4664C>T, p.Ser1555Phe (NM_019105.8); short protein forms S1555F.
Identifiers: ClinVar variation 1742270 (VCV001742270.5), dbSNP rs779291187, ClinGen allele CA3734913.